The following is an entry in ClinVar:

NM_004963.4(GUCY2C):c.1457A>G (p.His486Arg)

Gene: GUCY2C (guanylate cyclase 2C; minus strand). Cytogenetic location: 12p12.3.
Variant type: single nucleotide variant.
Coding change: c.1457A>G on transcript NM_004963.4 (MANE Select); coding-DNA position 1457, A replaced by G.
Protein change: p.His486Arg; replaces histidine 486 with arginine.
Molecular consequence: missense variant.
Genome position (GRCh38, 1-based): chr12:14,656,525, T>C on the plus strand (A>G on the coding strand, the complement: GUCY2C is on the minus strand). VCF-style: chr12-14656525-T-C. GRCh37 (hg19) VCF-style: chr12-14809459-T-C.
Other names: short protein forms H486R.
Identifiers: ClinVar variation 1496670 (VCV001496670.8), dbSNP rs2137046735, ClinGen allele CA383991630.

ClinVar aggregate classification (germline): Uncertain significance (1 of 4 stars; one submission).

Submission:

Labcorp Genetics (formerly Invitae), Labcorp
Classification: Uncertain significance. Last evaluated: 2022-08-16. Review status: criteria provided, single submitter. Criteria: Invitae Variant Classification Sherloc (09022015). Collection method: clinical testing. Allele origin: germline.
Comment: This variant has not been reported in the literature in individuals affected with GUCY2C-related conditions. This sequence change replaces histidine, which is basic and polar, with arginine, which is basic and polar, at codon 486 of the GUCY2C protein (p.His486Arg). This variant is not present in population databases (gnomAD no frequency). ClinVar contains an entry for this variant (Variation ID: 1496670). Algorithms developed to predict the effect of missense changes on protein structure and function (SIFT, PolyPhen-2, Align-GVGD) all suggest that this variant is likely to be tolerated. In summary, the available evidence is currently insufficient to determine the role of this variant in disease. Therefore, it has been classified as a Variant of Uncertain Significance.